The following is an entry in ClinVar:

ClinVar aggregate classification (germline): Likely pathogenic (1 of 4 stars; one submission).

Submission:

GeneDx
Classification: Likely pathogenic. Last evaluated: 2025-04-22. Review status: criteria provided, single submitter. Criteria: GeneDx Variant Classification Process June 2021. Collection method: clinical testing. Allele origin: germline. Affected: yes.
Comment: Canonical splice site variant predicted to result in an in-frame loss of the adjacent exon in a gene for which loss of function is a known mechanism of disease; Not observed at significant frequency in large population cohorts (gnomAD); Has not been previously published as pathogenic or benign to our knowledge

NC_000016.10:g.1767914AG[2]

Gene: MAPK8IP3 (mitogen-activated protein kinase 8 interacting protein 3; plus strand). Cytogenetic location: 16p13.3.
Variant type: Microsatellite.
Genome position: GRCh38 VCF-style: chr16-1767913-CAG-C. GRCh37 (hg19) VCF-style: chr16-1817914-CAG-C.
Identifiers: ClinVar variation 4527158 (VCV004527158.1).